The following is an entry in ClinVar:

ClinVar aggregate classification (germline): Uncertain significance. Review status: criteria provided, multiple submitters, no conflicts (2 of 4 stars). 2 submissions from 2 submitters: Uncertain significance (2). Last evaluated 2025-08-12.

Conditions:
Inborn genetic diseases. Identifiers: MedGen C0950123, MeSH D030342.

Allele frequency attached by ClinVar (database versions not stated): ExAC 0.00003; gnomAD 0.00012 and 0.00013; TOPMed 0.00015; 1000 Genomes Project 0.00060; 1000 Genomes Project 30x 0.00078.

Submissions (2):

Ambry Genetics
Classification: Uncertain significance for Inborn genetic diseases. Last evaluated: 2025-08-12. Review status: criteria provided, single submitter. Criteria: Ambry Variant Classification Scheme 2023. Collection method: clinical testing. Allele origin: germline.

Labcorp Genetics (formerly Invitae), Labcorp
Classification: Uncertain significance. Last evaluated: 2023-10-16. Review status: criteria provided, single submitter. Criteria: Invitae Variant Classification Sherloc (09022015). Collection method: clinical testing. Allele origin: germline.
Comment: This sequence change replaces glutamine, which is neutral and polar, with histidine, which is basic and polar, at codon 78 of the CEP78 protein (p.Gln78His). This variant is present in population databases (rs201790064, gnomAD 0.04%). This variant has not been reported in the literature in individuals affected with CEP78-related conditions. ClinVar contains an entry for this variant (Variation ID: 1465206). Advanced modeling of protein sequence and biophysical properties (such as structural, functional, and spatial information, amino acid conservation, physicochemical variation, residue mobility, and thermodynamic stability) performed at Invitae indicates that this missense variant is not expected to disrupt CEP78 protein function. In summary, the available evidence is currently insufficient to determine the role of this variant in disease. Therefore, it has been classified as a Variant of Uncertain Significance.

NM_001330691.3(CEP78):c.234G>T (p.Gln78His)

Gene: CEP78 (centrosomal protein 78; plus strand). Cytogenetic location: 9q21.2.
Variant type: single nucleotide variant.
Coding change: c.234G>T on transcript NM_001330691.3 (MANE Select); coding-DNA position 234, G replaced by T.
Protein change: p.Gln78His; replaces glutamine 78 with histidine.
Molecular consequence: missense variant.
Genome position (GRCh38, 1-based): chr9:78,236,584, G>T. VCF-style: chr9-78236584-G-T. GRCh37 (hg19) VCF-style: chr9-80851500-G-T.
Other names: c.234G>T, p.Gln78His (NM_001098802.3, NM_001330693.3, NM_001330694.2 and 4 more transcripts); c.234G>T (NM_001098802.1); short protein forms Q78H.
Identifiers: ClinVar variation 1465206 (VCV001465206.7), dbSNP rs201790064, ClinGen allele CA5094841.